The following is an entry in ClinVar:

NM_004974.4(KCNA2):c.636C>G (p.Tyr212Ter)

Gene: KCNA2 (potassium voltage-gated channel subfamily A member 2; minus strand). Cytogenetic location: 1p13.3.
Variant type: single nucleotide variant.
Coding change: c.636C>G on transcript NM_004974.4 (MANE Select); coding-DNA position 636, C replaced by G.
Protein change: p.Tyr212Ter; replaces tyrosine 212 with a stop codon.
Molecular consequence: nonsense.
Genome position (GRCh38, 1-based): chr1:110,604,147, G>C on the plus strand (C>G on the coding strand, the complement: KCNA2 is on the minus strand). VCF-style: chr1-110604147-G-C. GRCh37 (hg19) VCF-style: chr1-111146769-G-C.
Other names: c.636C>G, p.Tyr212Ter (NM_001204269.2); short protein forms Y212*.
Identifiers: ClinVar variation 3061873 (VCV003061873.1), dbSNP rs2524620000, ClinGen allele CA341603552.

ClinVar aggregate classification (germline): Pathogenic (1 of 4 stars; one submission).

Conditions:
Developmental and epileptic encephalopathy, 32 (DEE32). Also called: Epileptic encephalopathy, early infantile, 32. Identifiers: Orphanet 442835, MedGen C4225350, MONDO:0014607, OMIM 616366.

Submission:

MVZ Medizinische Genetik Mainz
Classification: Pathogenic for Developmental and epileptic encephalopathy, 32. Last evaluated: 2022-11-18. Review status: criteria provided, single submitter. Criteria: UK Practice Guidelines For Variant Classification V4 01 2020. Collection method: clinical testing. Allele origin: germline. Inheritance: Autosomal dominant inheritance. Affected: yes. Observed: 1 variant allele.
Comment: PVS1, PM6, PM2_SUP, PP2